The following is an entry in ClinVar:

ClinVar aggregate classification (germline): Uncertain significance (1 of 4 stars; one submission).

Conditions:
Ataxia-telangiectasia syndrome (AT). Also called: LOUIS-BAR SYNDROME; Ataxia telangiectasia (A-T); Cerebello-oculocutaneous telangiectasia; Immunodeficiency with ataxia telangiectasia; ATAXIA-TELANGIECTASIA, COMPLEMENTATION GROUP A; ATAXIA-TELANGIECTASIA, FRESNO VARIANT. Identifiers: Orphanet 100, MedGen C0004135, MONDO:0008840, OMIM 208900.

Submission:

Labcorp Genetics (formerly Invitae), Labcorp
Classification: Uncertain significance for Ataxia-telangiectasia syndrome. Last evaluated: 2019-10-09. Review status: criteria provided, single submitter. Criteria: Invitae Variant Classification Sherloc (09022015). Collection method: clinical testing. Allele origin: germline.
Comment: This sequence change replaces serine with proline at codon 478 of the ATM protein (p.Ser478Pro). The serine residue is moderately conserved and there is a moderate physicochemical difference between serine and proline. This variant is not present in population databases (ExAC no frequency). This variant has not been reported in the literature in individuals with ATM-related conditions. Algorithms developed to predict the effect of missense changes on protein structure and function are either unavailable or do not agree on the potential impact of this missense change (SIFT: "Tolerated"; PolyPhen-2: "Possibly Damaging"; Align-GVGD: "Class C0"). In summary, the available evidence is currently insufficient to determine the role of this variant in disease. Therefore, it has been classified as a Variant of Uncertain Significance.

NM_000051.4(ATM):c.1432T>C (p.Ser478Pro)

Gene: ATM (ATM serine/threonine kinase; plus strand). Cytogenetic location: 11q22.3.
Variant type: single nucleotide variant.
Coding change: c.1432T>C on transcript NM_000051.4 (MANE Select); coding-DNA position 1432, T replaced by C.
Protein change: p.Ser478Pro; replaces serine 478 with proline.
Molecular consequence: missense variant.
Genome position (GRCh38, 1-based): chr11:108,250,897, T>C. VCF-style: chr11-108250897-T-C. GRCh37 (hg19) VCF-style: chr11-108121624-T-C.
Other names: c.1432T>C, p.Ser478Pro (NM_001351834.2); short protein forms S478P.
Identifiers: ClinVar variation 953203 (VCV000953203.9), dbSNP rs2080106232, ClinGen allele CA382534048.